The following is an entry in ClinVar:

ClinVar aggregate classification (germline): Likely benign. Review status: criteria provided, multiple submitters, no conflicts (2 of 4 stars). 2 submissions from 2 submitters: Likely benign (2). Last evaluated 2025-11-17.

Conditions:
Propionic acidemia (PROP). Also called: GLYCINEMIA, KETOTIC; HYPERGLYCINEMIA WITH KETOACIDOSIS AND LEUKOPENIA; KETOTIC HYPERGLYCINEMIA. Identifiers: Orphanet 35, MedGen C0268579, MONDO:0011628, OMIM 606054, HP:0003571.

Allele frequency attached by ClinVar (database versions not stated): gnomAD 0.00001 and 0.00003; ExAC 0.00002; gnomAD exomes 0.00003; TOPMed 0.00004; ESP Exome Variant Server 0.00015.
gnomAD v4.1: 35 of 1,613,888 alleles (0.0022%); highest among the groups gnomAD compares: Middle Eastern, 0.016%; no homozygotes.

Submissions (2):

Labcorp Genetics (formerly Invitae), Labcorp
Classification: Likely benign for Propionic acidemia. Last evaluated: 2025-11-17. Review status: criteria provided, single submitter. Criteria: Invitae Variant Classification Sherloc (09022015). Collection method: clinical testing. Allele origin: germline.

GeneDx
Classification: Likely benign. Last evaluated: 2018-03-22. Review status: criteria provided, single submitter. Criteria: GeneDx Variant Classification (06012015). Collection method: clinical testing. Allele origin: germline. Affected: yes.
Comment: This variant is considered likely benign or benign based on one or more of the following criteria: it is a conservative change, it occurs at a poorly conserved position in the protein, it is predicted to be benign by multiple in silico algorithms, and/or has population frequency not consistent with disease.

NM_000532.5(PCCB):c.884+14C>T

Gene: PCCB (propionyl-CoA carboxylase subunit beta; plus strand). Cytogenetic location: 3q22.3.
Variant type: single nucleotide variant.
Coding change: c.884+14C>T on transcript NM_000532.5 (MANE Select); 14 bases into the intron after coding-DNA position 884, C replaced by T.
Molecular consequence: intron variant.
Genome position (GRCh38, 1-based): chr3:136,298,086, C>T. VCF-style: chr3-136298086-C-T. GRCh37 (hg19) VCF-style: chr3-136016928-C-T.
Other names: c.944+14C>T (NM_001178014.2).
Identifiers: ClinVar variation 680398 (VCV000680398.8), dbSNP rs372020160, ClinGen allele CA2631908.